The following is an entry in ClinVar:

NM_001292063.2(OTOG):c.7048G>A (p.Glu2350Lys)

Gene: OTOG (otogelin; plus strand). Cytogenetic location: 11p15.1.
Variant type: single nucleotide variant.
Coding change: c.7048G>A on transcript NM_001292063.2 (MANE Select); coding-DNA position 7048, G replaced by A.
Protein change: p.Glu2350Lys; replaces glutamic acid 2350 with lysine.
Molecular consequence: missense variant.
Genome position (GRCh38, 1-based): chr11:17,632,202, G>A. VCF-style: chr11-17632202-G-A. GRCh37 (hg19) VCF-style: chr11-17653749-G-A.
Other names: c.7084G>A, p.Glu2362Lys (NM_001277269.2); short protein forms E2362K, E2350K.
Identifiers: ClinVar variation 227792 (VCV000227792.5), dbSNP rs375080152, ClinGen allele CA5906090.

ClinVar aggregate classification (germline): Likely benign (1 of 4 stars; one submission).

Allele frequency attached by ClinVar (database versions not stated): ExAC 0.00006; gnomAD exomes 0.00007; TOPMed 0.00002; gnomAD 0.00001.
gnomAD v4.1: 23 of 1,550,784 alleles (0.0015%); highest among the groups gnomAD compares: East Asian, 0.039%; no homozygotes.

Submission:

Laboratory for Molecular Medicine, Mass General Brigham Personalized Medicine
Classification: Likely benign. Last evaluated: 2015-05-27. Review status: criteria provided, single submitter. Criteria: LMM Criteria. Collection method: clinical testing. Allele origin: germline. Observed: 1 variant allele.
Comment: p.Glu2362Lys in exon 41 of OTOG: This variant is not expected to have clinical s ignificance due to a lack of conservation across species, including several mamm als. Of note, 5 species have a lysine (Lys) at this position despite moderate ne arby amino acid conservation. In addition, computational prediction tools do not suggest a high likelihood of impact to the protein. The variant has been identi fied in 1/562 East Asian chromosomes by the Exome Aggregation Consortium (ExAC; dbSNP rs375080152).